The following is an entry in ClinVar:

ClinVar aggregate classification (germline): Uncertain significance (1 of 4 stars; one submission).

gnomAD v4.1: 1 of 1,613,214 alleles (0.000062%); highest among the groups gnomAD compares: Non-Finnish European, 0.000085%; no homozygotes.

Submission:

GeneDx
Classification: Uncertain significance. Last evaluated: 2022-08-04. Review status: criteria provided, single submitter. Criteria: GeneDx Variant Classification Process June 2021. Collection method: clinical testing. Allele origin: germline. Affected: yes.
Comment: Not observed at significant frequency in large population cohorts (gnomAD); In silico analysis supports that this missense variant does not alter protein structure/function; Has not been previously published as pathogenic or benign to our knowledge

NM_000051.4(ATM):c.3317G>C (p.Arg1106Thr)

Gene: ATM (ATM serine/threonine kinase; plus strand). Cytogenetic location: 11q22.3.
Variant type: single nucleotide variant.
Coding change: c.3317G>C on transcript NM_000051.4 (MANE Select); coding-DNA position 3317, G replaced by C.
Protein change: p.Arg1106Thr; replaces arginine 1106 with threonine.
Molecular consequence: missense variant.
Genome position (GRCh38, 1-based): chr11:108,279,523, G>C. VCF-style: chr11-108279523-G-C. GRCh37 (hg19) VCF-style: chr11-108150250-G-C.
Other names: c.3317G>C, p.Arg1106Thr (NM_001351834.2); short protein forms R1106T.
Identifiers: ClinVar variation 2428823 (VCV002428823.3), dbSNP rs2082117047, ClinGen allele CA382517470.